The following is an entry in ClinVar:

ClinVar aggregate classification (germline): Uncertain significance (1 of 4 stars; one submission).

Submission:

Labcorp Genetics (formerly Invitae), Labcorp
Classification: Uncertain significance. Last evaluated: 2022-03-18. Review status: criteria provided, single submitter. Criteria: Invitae Variant Classification Sherloc (09022015). Collection method: clinical testing. Allele origin: germline.
Comment: In summary, the available evidence is currently insufficient to determine the role of this variant in disease. Therefore, it has been classified as a Variant of Uncertain Significance. Advanced modeling of protein sequence and biophysical properties (such as structural, functional, and spatial information, amino acid conservation, physicochemical variation, residue mobility, and thermodynamic stability) performed at Invitae indicates that this missense variant is not expected to disrupt TWNK protein function. This variant has not been reported in the literature in individuals affected with TWNK-related conditions. This variant is not present in population databases (gnomAD no frequency). This sequence change replaces arginine, which is basic and polar, with threonine, which is neutral and polar, at codon 41 of the TWNK protein (p.Arg41Thr).

NM_021830.5(TWNK):c.122G>C (p.Arg41Thr)

Gene: TWNK (twinkle mtDNA helicase; plus strand). Cytogenetic location: 10q24.31.
Variant type: single nucleotide variant.
Coding change: c.122G>C on transcript NM_021830.5 (MANE Select); coding-DNA position 122, G replaced by C.
Protein change: p.Arg41Thr; replaces arginine 41 with threonine.
Molecular consequence: missense variant. On other transcripts: non-coding transcript variant (4), intron variant (3).
Genome position (GRCh38, 1-based): chr10:100,988,332, G>C. VCF-style: chr10-100988332-G-C. GRCh37 (hg19) VCF-style: chr10-102748089-G-C.
Other names: c.122G>C, p.Arg41Thr (NM_001163812.2); c.-120+719G>C (NM_001163814.2, NM_001163813.2); c.-58+719G>C (NM_001368275.1); short protein forms R41T.
Identifiers: ClinVar variation 2113454 (VCV002113454.4), dbSNP rs915248538, ClinGen allele CA378206047.
Genomic context (GRCh38, chr10:100,988,332, plus strand): 5'-GGATGGGTCGGAGGGGCCTGCCCCGAAACTTGGCCCCAGGCCCTCCTCGCAGACGTTACA[G>C]GAAGGAGACTCTCCAAGCCTTGGATATGCCAGTGTTGCCTGTAACTGCAACTGAAATCCG-3'
Protein context (NP_068602.2, residues 31-51): LAPGPPRRRY[Arg41Thr]KETLQALDMP